The following is an entry in ClinVar:

ClinVar aggregate classification (germline): Pathogenic (1 of 4 stars; one submission).

Conditions:
Cardiovascular phenotype. Identifiers: MedGen CN230736.

Submission:

Ambry Genetics
Classification: Pathogenic for Cardiovascular phenotype. Last evaluated: 2024-02-06. Review status: criteria provided, single submitter. Criteria: Ambry Variant Classification Scheme 2023. Collection method: clinical testing. Allele origin: germline.
Comment: The c.2593_2594dupGA pathogenic mutation, located in coding exon 18 of the DSP gene, results from a duplication of GA at nucleotide position 2593, causing a translational frameshift with a predicted alternate stop codon (p.D865Efs*7). Alterations in DSP that result in haploinsufficiency or protein truncation have been reported in patients with arrhythmogenic right ventricular cardiomyopathy (ARVC) and dilated cardiomyopathy (DCM) (Fressart V et al. Europace. 2010;12(6):861-8; Elliott P et al. Circ Cardiovasc Genet. 2010;3(4):314-22; Quarta G et al. Circulation. 2011;123(23):2701-9; Garcia-Pavia P et al. Heart. 2011;97(21):1744-52; Rasmussen TB et al. Clin Genet. 2013;84(1):20-30; Pugh TJ et al. Genet Med. 2014;16(8):601-8). This variant is considered to be rare based on population cohorts in the Genome Aggregation Database (gnomAD). Alterations in DSP that result in haploinsufficiency or protein truncation have been reported in patients with arrhythmogenic right ventricular cardiomyopathy (ARVC) and dilated cardiomyopathy (DCM) (Fressart V et al. Europace.2010;12(6):861-8; Elliott P et al. Circ Cardiovasc Genet. 2010;3(4):314-22; Quarta G et al. Circulation. 2011;123(23):2701-9; Garcia-Pavia P et al. Heart. 2011;97(21):1744-52; Rasmussen TB et al. Clin Genet. 2013;84(1):20-30; Pugh TJ et al. Genet Med. 2014;16(8):601-8). This alteration is expected to result in loss of function by premature protein truncation or nonsense-mediated mRNA decay. Based on the supporting evidence, this alteration is interpreted as a disease-causing mutation.

NM_004415.4(DSP):c.2593_2594dup (p.Asp865fs)

Gene: DSP (desmoplakin; plus strand). Cytogenetic location: 6p24.3.
Variant type: Duplication.
Coding change: c.2593_2594dup on transcript NM_004415.4 (MANE Select); coding-DNA positions 2593 to 2594, 2 bases duplicated (GA; older notation c.2593_2594dupGA).
Protein change: p.Asp865fs; shifts the reading frame from aspartic acid 865.
Molecular consequence: frameshift variant.
Genome position (GRCh38, 1-based): chr6:7,575,451-7,575,452, GA duplicated; duplicating any 2 consecutive bases within chr6:7,575,450-7,575,452 gives the same sequence; the c. name uses the placement nearest the transcript's 3' end. VCF-style (leftmost placement, unchanged base first): chr6-7575449-C-CAG. GRCh37 (hg19) VCF-style: chr6-7575682-C-CAG.
Other names: c.2593_2594dup, p.Asp865fs (NM_001008844.3, NM_001319034.2); c.2593_2594dupGA (NM_004415.2); short protein forms D865fs.
Identifiers: ClinVar variation 1793542 (VCV001793542.2), dbSNP rs2533908971, ClinGen allele CA2580075364.